The following is an entry in ClinVar:

ClinVar aggregate classification (germline): Uncertain significance. Review status: criteria provided, multiple submitters, no conflicts (2 of 4 stars). 3 submissions from 3 submitters: Uncertain significance (3). Last evaluated 2024-10-08.

Conditions:
Inborn genetic diseases. Identifiers: MedGen C0950123, MeSH D030342.
Brunner syndrome (BRNRS). Identifiers: Orphanet 3057, MedGen C0796275, MONDO:0010379, OMIM 300615.

Allele frequency attached by ClinVar (database versions not stated): gnomAD exomes below 0.00001 and 0.00002; gnomAD 0.00001 and 0.00004; ExAC 0.00002; TOPMed 0.00004; ESP Exome Variant Server 0.00019; 1000 Genomes Project 30x 0.00042; 1000 Genomes Project 0.00053.
gnomAD v4.1: 8 of 1,201,221 alleles (0.00067%); highest among the groups gnomAD compares: Admixed American, 0.0044%; no homozygotes.

Submissions (3):

Labcorp Genetics (formerly Invitae), Labcorp
Classification: Uncertain significance for Brunner syndrome. Last evaluated: 2024-10-08. Review status: criteria provided, single submitter. Criteria: Invitae Variant Classification Sherloc (09022015). Collection method: clinical testing. Allele origin: germline.
Comment: This sequence change replaces arginine, which is basic and polar, with tryptophan, which is neutral and slightly polar, at codon 109 of the MAOA protein (p.Arg109Trp). This variant is present in population databases (rs140295792, gnomAD 0.01%). This variant has not been reported in the literature in individuals affected with MAOA-related conditions. ClinVar contains an entry for this variant (Variation ID: 1361377). Invitae Evidence Modeling of protein sequence and biophysical properties (such as structural, functional, and spatial information, amino acid conservation, physicochemical variation, residue mobility, and thermodynamic stability) indicates that this missense variant is not expected to disrupt MAOA protein function with a negative predictive value of 80%. In summary, the available evidence is currently insufficient to determine the role of this variant in disease. Therefore, it has been classified as a Variant of Uncertain Significance.

GeneDx
Classification: Uncertain significance. Last evaluated: 2024-07-06. Review status: criteria provided, single submitter. Criteria: GeneDx Variant Classification Process June 2021. Collection method: clinical testing. Allele origin: germline. Affected: yes.
Comment: In silico analysis supports that this missense variant has a deleterious effect on protein structure/function; Has not been previously published as pathogenic or benign to our knowledge

Ambry Genetics
Classification: Uncertain significance for Inborn genetic diseases. Last evaluated: 2023-06-16. Review status: criteria provided, single submitter. Criteria: Ambry Variant Classification Scheme 2023. Collection method: clinical testing. Allele origin: germline.

NM_000240.4(MAOA):c.325C>T (p.Arg109Trp)

Gene: MAOA (monoamine oxidase A; plus strand). Cytogenetic location: Xp11.3.
Variant type: single nucleotide variant.
Coding change: c.325C>T on transcript NM_000240.4 (MANE Select); coding-DNA position 325, C replaced by T.
Protein change: p.Arg109Trp; replaces arginine 109 with tryptophan.
Molecular consequence: missense variant. On other transcripts: 5 prime UTR variant (1).
Genome position (GRCh38, 1-based): chrX:43,711,890, C>T. VCF-style: chrX-43711890-C-T. GRCh37 (hg19) VCF-style: chrX-43571137-C-T.
Other names: c.-75C>T (NM_001270458.2); short protein forms R109W.
Identifiers: ClinVar variation 1361377 (VCV001361377.11), dbSNP rs140295792, ClinGen allele CA10390761.